The following is an entry in ClinVar:

NM_001267550.2(TTN):c.59997del (p.Asn19999fs)

Genes: TTN-AS1 (TTN antisense RNA 1; plus strand), TTN (titin; minus strand), LOC126806424 (CDK7 strongly-dependent group 2 enhancer GRCh37_chr2:179456337-179457536; plus strand). Cytogenetic location: 2q31.2.
Variant type: Deletion.
Coding change: c.59997del on transcript NM_001267550.2 (MANE Select); coding-DNA position 59997, one base deleted (T; older notation c.59997delT).
Protein change: p.Asn19999fs; shifts the reading frame from asparagine 19999.
Molecular consequence: frameshift variant.
Genome position (GRCh38, 1-based): chr2:178,591,822, A deleted on the plus strand (T on the coding strand, the reverse complement: TTN is on the minus strand). VCF-style (leftmost placement, unchanged base first): chr2-178591821-TA-T. GRCh37 (hg19) VCF-style: chr2-179456548-TA-T.
Other names: c.55074del, p.Asn18358fs (NM_001256850.1); c.32802del, p.Asn10934fs (NM_003319.4); c.52293del, p.Asn17431fs (NM_133378.4); c.33177del, p.Asn11059fs (NM_133432.3); c.33378del, p.Asn11126fs (NM_133437.4); short protein forms N17431fs, N10934fs, N11126fs, N19999fs, N11059fs, N18358fs.
Identifiers: ClinVar variation 1466712 (VCV001466712.6), dbSNP rs2154185219, ClinGen allele CA2573133750.

ClinVar aggregate classification (germline): Likely pathogenic (1 of 4 stars; one submission).

Conditions:
Dilated cardiomyopathy 1G (CMD1G). Identifiers: Orphanet 154, MedGen C1858763, MONDO:0011400, OMIM 604145.
Autosomal recessive limb-girdle muscular dystrophy type 2J (LGMDR10). Also called: Limb-girdle muscular dystrophy, type 2J; MUSCULAR DYSTROPHY, LIMB-GIRDLE, AUTOSOMAL RECESSIVE 10. Identifiers: Orphanet 140922, MedGen C1837342, MONDO:0012127, OMIM 608807.

Submission:

Labcorp Genetics (formerly Invitae), Labcorp
Classification: Likely pathogenic for Dilated cardiomyopathy 1G; Autosomal recessive limb-girdle muscular dystrophy type 2J. Last evaluated: 2021-09-25. Review status: criteria provided, single submitter. Criteria: Invitae Variant Classification Sherloc (09022015). Collection method: clinical testing. Allele origin: germline.
Comment: This variant is located in the A band of TTN (PMID: 25589632). Truncating variants in this region are significantly overrepresented in patients affected with dilated cardiomyopathy (PMID: 25589632). Truncating variants in this region have also been reported in individuals affected with autosomal recessive centronuclear myopathy (PMID: 23975875). In summary, the currently available evidence indicates that the variant is pathogenic, but additional data are needed to prove that conclusively. Therefore, this variant has been classified as Likely Pathogenic. This variant has not been reported in the literature in individuals affected with TTN-related conditions. This variant is not present in population databases (ExAC no frequency). This sequence change creates a premature translational stop signal (p.Asn19999Lysfs*16) in the TTN gene. While this is not anticipated to result in nonsense mediated decay, it is expected to create a truncated TTN protein.

Literature cited by the submitters: PubMed 25589632; PubMed 23975875.